The following is an entry in ClinVar:

ClinVar aggregate classification (germline): Uncertain significance (1 of 4 stars; one submission).

Submission:

Ambry Genetics
Classification: Uncertain significance. Last evaluated: 2024-04-16. Review status: criteria provided, single submitter. Criteria: Ambry Variant Classification Scheme 2023. Collection method: clinical testing. Allele origin: germline.
Comment: The p.N324S variant (also known as c.971A>G), located in coding exon 7 of the RINT1 gene, results from an A to G substitution at nucleotide position 971. The asparagine at codon 324 is replaced by serine, an amino acid with highly similar properties. This amino acid position is conserved. In addition, this alteration is predicted to be tolerated by in silico analysis. Based on the available evidence, the clinical significance of this variant remains unclear.

NM_021930.6(RINT1):c.971A>G (p.Asn324Ser)

Gene: RINT1 (RAD50 interactor 1; plus strand). Cytogenetic location: 7q22.3.
Variant type: single nucleotide variant.
Coding change: c.971A>G on transcript NM_021930.6 (MANE Select); coding-DNA position 971, A replaced by G.
Protein change: p.Asn324Ser; replaces asparagine 324 with serine.
Molecular consequence: missense variant. On other transcripts: 5 prime UTR variant (1), non-coding transcript variant (1), intron variant (1).
Genome position (GRCh38, 1-based): chr7:105,548,685, A>G. VCF-style: chr7-105548685-A-G. GRCh37 (hg19) VCF-style: chr7-105189132-A-G.
Other names: c.737A>G, p.Asn246Ser (NM_001346599.2); c.-49A>G (NM_001346600.2); c.47A>G, p.Asn16Ser (NM_001346601.2); c.-27-1370A>G (NM_001346603.2); short protein forms N16S, N246S, N324S.
Identifiers: ClinVar variation 3314452 (VCV003314452.1).
Genomic context (GRCh38, chr7:105,548,685, plus strand): 5'-TGCCCATCCAGGTTATGCTGACTCCTCTTCAGAAGAGGTTCAGGTATCACTTCAGAGGGA[A>G]CCGGCAGACTAATGTGTTAAGCAAGGTGTGTTTTGCCAGCTCTTGTCCTTGGTTTTTATT-3'
Protein context (NP_068749.3, residues 314-334): QKRFRYHFRG[Asn324Ser]RQTNVLSKPE